The following is an entry in ClinVar:

ClinVar aggregate classification (germline): Uncertain significance (1 of 4 stars; one submission).

Allele frequency attached by ClinVar (database versions not stated): gnomAD exomes below 0.00001; TOPMed below 0.00001.
gnomAD v4.1: 6 of 1,613,034 alleles (0.00037%); highest among the groups gnomAD compares: Non-Finnish European, 0.00051%; no homozygotes.

Submission:

CeGaT Center for Human Genetics Tuebingen
Classification: Uncertain significance. Last evaluated: 2023-12-01. Review status: criteria provided, single submitter. Criteria: CeGaT Center For Human Genetics Tuebingen Variant Classification Criteria Version 2. Collection method: clinical testing. Allele origin: germline. Affected: yes. Observed: 2 variant alleles.
Comment: TUBGCP2: PM2, PP3

NM_006659.4(TUBGCP2):c.1215-1G>C

Gene: TUBGCP2 (tubulin gamma complex component 2; minus strand). Cytogenetic location: 10q26.3.
Variant type: single nucleotide variant.
Coding change: c.1215-1G>C on transcript NM_006659.4 (MANE Select); the canonical splice acceptor site of the intron before coding-DNA position 1215, G replaced by C.
Molecular consequence: splice acceptor variant.
Genome position (GRCh38, 1-based): chr10:133,289,970, C>G on the plus strand (G>C on the coding strand, the complement: TUBGCP2 is on the minus strand). VCF-style: chr10-133289970-C-G. GRCh37 (hg19) VCF-style: chr10-135103474-C-G.
Other names: c.825-1G>C (NM_001256618.2); c.1299-1G>C (NM_001256617.2).
Identifiers: ClinVar variation 2641017 (VCV002641017.24), dbSNP rs1457541607, ClinGen allele CA378823824.